The following is an entry in ClinVar:

ClinVar aggregate classification (germline): Uncertain significance (1 of 4 stars; one submission).

Allele frequency attached by ClinVar (database versions not stated): ExAC 0.00001; gnomAD 0.00001; gnomAD exomes 0.00001.

Submission:

Labcorp Genetics (formerly Invitae), Labcorp
Classification: Uncertain significance. Last evaluated: 2025-09-18. Review status: criteria provided, single submitter. Criteria: Invitae Variant Classification Sherloc (09022015). Collection method: clinical testing. Allele origin: germline.
Comment: This sequence change replaces leucine, which is neutral and non-polar, with phenylalanine, which is neutral and non-polar, at codon 96 of the KIF20A protein (p.Leu96Phe). This variant is present in population databases (rs749184470, gnomAD 0.0009%). This variant has not been reported in the literature in individuals affected with KIF20A-related conditions. ClinVar contains an entry for this variant (Variation ID: 1938887). An algorithm developed to predict the effect of missense changes on protein structure and function (PolyPhen-2) suggests that this variant is likely to be disruptive. In summary, the available evidence is currently insufficient to determine the role of this variant in disease. Therefore, it has been classified as a Variant of Uncertain Significance.

NM_005733.3(KIF20A):c.286C>T (p.Leu96Phe)

Gene: KIF20A (kinesin family member 20A; plus strand). Cytogenetic location: 5q31.2.
Variant type: single nucleotide variant.
Coding change: c.286C>T on transcript NM_005733.3 (MANE Select); coding-DNA position 286, C replaced by T.
Protein change: p.Leu96Phe; replaces leucine 96 with phenylalanine.
Molecular consequence: missense variant.
Genome position (GRCh38, 1-based): chr5:138,181,639, C>T. VCF-style: chr5-138181639-C-T. GRCh37 (hg19) VCF-style: chr5-137517328-C-T.
Other names: short protein forms L96F.
Identifiers: ClinVar variation 1938887 (VCV001938887.5), dbSNP rs749184470, ClinGen allele CA3426273.